The following is an entry in ClinVar:

NM_001324418.2(ADAM22):c.312C>T (p.Val104=)

Gene: ADAM22 (ADAM metallopeptidase domain 22; plus strand). Cytogenetic location: 7q21.12.
Variant type: single nucleotide variant.
Coding change: c.312C>T on transcript NM_001324418.2 (MANE Select); coding-DNA position 312, C replaced by T.
Protein change: p.Val104=; no amino-acid change (valine 104 retained).
Molecular consequence: synonymous variant.
Genome position (GRCh38, 1-based): chr7:87,978,401, C>T. VCF-style: chr7-87978401-C-T. GRCh37 (hg19) VCF-style: chr7-87607716-C-T.
Other names: c.309C>T, p.Val103= (NM_001324417.2, NM_001324419.2, NM_001391978.1 and 2 more transcripts); c.312C>T, p.Val104= (NM_001324420.2, NM_001324421.2, NM_001391976.1 and 6 more transcripts); c.363C>T, p.Val121= (NM_001391975.1, NM_001391980.1, NM_001391982.1).
Identifiers: ClinVar variation 4084168 (VCV004084168.8).

ClinVar aggregate classification (germline): Likely benign (1 of 4 stars; one submission).

gnomAD v4.1: 15 of 1,613,272 alleles (0.00093%); highest among the groups gnomAD compares: Admixed American, 0.0033%; no homozygotes.

Submission:

CeGaT Center for Human Genetics Tuebingen
Classification: Likely benign. Last evaluated: 2025-06-01. Review status: criteria provided, single submitter. Criteria: CeGaT Center For Human Genetics Tuebingen Variant Classification Criteria Version 2. Collection method: clinical testing. Allele origin: germline. Affected: yes. Observed: 1 variant allele.
Comment: ADAM22: BP4, BP7